The following is an entry in ClinVar:

NM_003119.4(SPG7):c.862-16T>G

Gene: SPG7 (SPG7 matrix AAA peptidase subunit, paraplegin; plus strand). Cytogenetic location: 16q24.3.
Variant type: single nucleotide variant.
Coding change: c.862-16T>G on transcript NM_003119.4 (MANE Select); 16 bases into the intron before coding-DNA position 862, T replaced by G.
Molecular consequence: intron variant.
Genome position (GRCh38, 1-based): chr16:89,530,667, T>G. VCF-style: chr16-89530667-T-G. GRCh37 (hg19) VCF-style: chr16-89597075-T-G.
Other names: c.862-16T>G (NM_001363850.1, NM_199367.3).
Identifiers: ClinVar variation 215186 (VCV000215186.11), dbSNP rs199954282, ClinGen allele CA324346.

ClinVar aggregate classification (germline): Benign/Likely benign. Review status: criteria provided, multiple submitters, no conflicts (2 of 4 stars). 4 submissions from 4 submitters: Benign (3); Likely benign (1). Last evaluated 2025-11-10.

Conditions:
Hereditary spastic paraplegia 7 (SPG7). Also called: Autosomal recessive spastic paraplegia type 7; Spastic paraplegia 7; Hereditary spastic paraplegia Paraplegin type; SPASTIC PARAPLEGIA 7, AUTOSOMAL RECESSIVE, WITH OR WITHOUT CEREBELLAR ATAXIA; SPG7-related neurologic disorder. Identifiers: Orphanet 99013, MedGen C1846564, MONDO:0011803, OMIM 607259.

Allele frequency attached by ClinVar (database versions not stated): 1000 Genomes Project 30x 0.00047; TOPMed 0.00012; gnomAD 0.00020 and 0.00016; ESP Exome Variant Server 0.00031; ExAC 0.00044; 1000 Genomes Project 0.00060; gnomAD exomes 0.00036.
gnomAD v4.1: 388 of 1,614,152 alleles (0.024%); highest among the groups gnomAD compares: Middle Eastern, 0.23%; 3 homozygotes.

Submissions (4):

Labcorp Genetics (formerly Invitae), Labcorp
Classification: Benign for Hereditary spastic paraplegia 7. Last evaluated: 2025-11-10. Review status: criteria provided, single submitter. Criteria: Invitae Variant Classification Sherloc (09022015). Collection method: clinical testing. Allele origin: germline.

Genomic Medicine Center of Excellence, King Faisal Specialist Hospital and Research Centre
Classification: Likely benign. Last evaluated: 2025-08-18. Review status: criteria provided, single submitter. Criteria: ACMG Guidelines, 2015. Collection method: clinical testing. Allele origin: germline.

GeneDx
Classification: Benign. Last evaluated: 2014-08-07. Review status: criteria provided, single submitter. Criteria: GeneDx Variant Classification (06012015). Collection method: clinical testing. Allele origin: germline. Affected: yes.
Comment: This variant is considered likely benign or benign based on one or more of the following criteria: it is a conservative change, it occurs at a poorly conserved position in the protein, it is predicted to be benign by multiple in silico algorithms, and/or has population frequency not consistent with disease.

Breakthrough Genomics
Classification: Benign. Review status: criteria provided, single submitter. Criteria: ACMG Guidelines, 2015. Collection method: not provided. Allele origin: germline. Inheritance: Autosomal recessive inheritance. Affected: yes.